The following is an entry in ClinVar:

NM_020461.4(TUBGCP6):c.3625C>T (p.Arg1209Trp)

Gene: TUBGCP6 (tubulin gamma complex component 6; minus strand). Cytogenetic location: 22q13.33.
Variant type: single nucleotide variant.
Coding change: c.3625C>T on transcript NM_020461.4 (MANE Select); coding-DNA position 3625, C replaced by T.
Protein change: p.Arg1209Trp; replaces arginine 1209 with tryptophan.
Molecular consequence: missense variant.
Genome position (GRCh38, 1-based): chr22:50,220,734, G>A on the plus strand (C>T on the coding strand, the complement: TUBGCP6 is on the minus strand). VCF-style: chr22-50220734-G-A. GRCh37 (hg19) VCF-style: chr22-50659163-G-A.
Other names: short protein forms R1209W.
Identifiers: ClinVar variation 949615 (VCV000949615.7), dbSNP rs113811007, ClinGen allele CA10307882.

ClinVar aggregate classification (germline): Uncertain significance. Review status: criteria provided, multiple submitters, no conflicts (2 of 4 stars). 2 submissions from 2 submitters: Uncertain significance (2). Last evaluated 2025-11-08.

Conditions:
Inborn genetic diseases. Identifiers: MedGen C0950123, MeSH D030342.

Submissions (2):

Ambry Genetics
Classification: Uncertain significance for Inborn genetic diseases. Last evaluated: 2025-11-08. Review status: criteria provided, single submitter. Criteria: Ambry Variant Classification Scheme 2023. Collection method: clinical testing. Allele origin: germline.

Labcorp Genetics (formerly Invitae), Labcorp
Classification: Uncertain significance. Last evaluated: 2025-06-17. Review status: criteria provided, single submitter. Criteria: Invitae Variant Classification Sherloc (09022015). Collection method: clinical testing. Allele origin: germline.
Comment: This sequence change replaces arginine, which is basic and polar, with tryptophan, which is neutral and slightly polar, at codon 1209 of the TUBGCP6 protein (p.Arg1209Trp). This variant is present in population databases (rs113811007, gnomAD 0.007%). This variant has not been reported in the literature in individuals affected with TUBGCP6-related conditions. ClinVar contains an entry for this variant (Variation ID: 949615). An algorithm developed to predict the effect of missense changes on protein structure and function outputs the following: PolyPhen-2: "Probably Damaging". The tryptophan amino acid residue is found in multiple mammalian species, which suggests that this missense change does not adversely affect protein function. In summary, the available evidence is currently insufficient to determine the role of this variant in disease. Therefore, it has been classified as a Variant of Uncertain Significance.